The following is an entry in ClinVar:

ClinVar aggregate classification (germline): Uncertain significance (1 of 4 stars; one submission).

Submission:

GeneDx
Classification: Uncertain significance. Last evaluated: 2026-04-16. Review status: criteria provided, single submitter. Criteria: GeneDx Variant Classification Process June 2021. Collection method: clinical testing. Allele origin: germline.
Comment: Not observed at significant frequency in large population cohorts (gnomAD); In silico analysis suggests that this missense variant does not alter protein structure/function; Has not been previously published as pathogenic or benign to our knowledge

NM_004733.4(SLC33A1):c.235C>G (p.Leu79Val)

Gene: SLC33A1 (solute carrier family 33 member 1; minus strand). Cytogenetic location: 3q25.31.
Variant type: single nucleotide variant.
Coding change: c.235C>G on transcript NM_004733.4 (MANE Select); coding-DNA position 235, C replaced by G.
Protein change: p.Leu79Val; replaces leucine 79 with valine.
Molecular consequence: missense variant.
Genome position (GRCh38, 1-based): chr3:155,853,763, G>C on the plus strand (C>G on the coding strand, the complement: SLC33A1 is on the minus strand). VCF-style: chr3-155853763-G-C. GRCh37 (hg19) VCF-style: chr3-155571552-G-C.
Other names: c.235C>G, p.Leu79Val (NM_001190992.2, NM_001363883.1); short protein forms L79V.
Identifiers: ClinVar variation 5037085 (VCV005037085.1).
Genomic context (GRCh38, chr3:155,853,763, plus strand): 5'-AAATGAGTGGGATGCTTCCCGCCAAGCCCAGGGGAATACCCTGAAGCACGTAAAGAAAGA[G>C]TAGTAGCAAAATGCTGCTTAGTTCGGCCCGGAAGCTCTGTGGGGCTTTTAAGAAGTCGCC-3'
Protein context (NP_004724.1, residues 69-89): RAELSSILLL[Leu79Val]FLYVLQGIPL